The following is an entry in ClinVar:

ClinVar aggregate classification (germline): Uncertain significance (1 of 4 stars; one submission).

Conditions:
Malignant hyperthermia, susceptibility to, 1 (MHS1). Also called: RYR1-Related Malignant Hyperthermia Susceptibility; Malignant hyperthermia suceptibility 1; Anesthesia related hyperthermia; Malignant hyperpyrexia; Fulminating hyperpyrexia; Pharmacogenic myopathy. Identifiers: Orphanet 423, MedGen C2930980, MONDO:0007783, OMIM 145600.

gnomAD v4.1: 7 of 1,614,058 alleles (0.00043%); highest among the groups gnomAD compares: Non-Finnish European, 0.00059%; no homozygotes.

Submission:

Color Diagnostics, LLC DBA Color Health
Classification: Uncertain significance for Malignant hyperthermia, susceptibility to, 1. Last evaluated: 2025-06-03. Review status: criteria provided, single submitter. Criteria: ACMG Guidelines, 2015. Collection method: clinical testing. Allele origin: germline.
Comment: This missense variant replaces arginine with histidine at codon 1996 of the RYR1 protein. Computational prediction suggests that this variant may not impact protein structure and function. To our knowledge, functional studies have not been reported for this variant. This variant has not been reported in individuals affected with RYR1-related disorders in the literature. This variant has been identified in 2/250966 chromosomes in the general population by the Genome Aggregation Database (gnomAD). The available evidence is insufficient to determine the role of this variant in disease conclusively. Therefore, this variant is classified as a Variant of Uncertain Significance.

NM_000540.3(RYR1):c.5987G>A (p.Arg1996His)

Gene: RYR1 (ryanodine receptor 1; plus strand). Cytogenetic location: 19q13.2.
Variant type: single nucleotide variant.
Coding change: c.5987G>A on transcript NM_000540.3 (MANE Select); coding-DNA position 5987, G replaced by A.
Protein change: p.Arg1996His; replaces arginine 1996 with histidine.
Molecular consequence: missense variant.
Genome position (GRCh38, 1-based): chr19:38,490,248, G>A. VCF-style: chr19-38490248-G-A. GRCh37 (hg19) VCF-style: chr19-38980888-G-A.
Other names: c.5987G>A, p.Arg1996His (NM_001042723.2); short protein forms R1996H.
Identifiers: ClinVar variation 4758639 (VCV004758639.1).